The following is an entry in ClinVar:

NM_018082.6(POLR3B):c.665G>A (p.Arg222Gln)

Gene: POLR3B (RNA polymerase III subunit B; plus strand). Cytogenetic location: 12q23.3.
Variant type: single nucleotide variant.
Coding change: c.665G>A on transcript NM_018082.6 (MANE Select); coding-DNA position 665, G replaced by A.
Protein change: p.Arg222Gln; replaces arginine 222 with glutamine.
Molecular consequence: missense variant.
Genome position (GRCh38, 1-based): chr12:106,380,081, G>A. VCF-style: chr12-106380081-G-A. GRCh37 (hg19) VCF-style: chr12-106773859-G-A.
Other names: c.491G>A, p.Arg164Gln (NM_001160708.2); short protein forms R164Q, R222Q.
Identifiers: ClinVar variation 931565 (VCV000931565.3), dbSNP rs2036738887, ClinGen allele CA386386921.

ClinVar aggregate classification (germline): Uncertain significance (1 of 4 stars; one submission).

Conditions:
Leukodystrophy, hypomyelinating, 8, with or without oligodontia and/or hypogonadotropic hypogonadism. Also called: LEUKODYSTROPHY, HYPOMYELINATING, 8, WITH HYPODONTIA AND HYPOGONADOTROPIC HYPOGONADISM; Endosteal sclerosis-cerebellar hypoplasia syndrome; Hypomyelinating leukodystrophy 8 with or without oligodontia and-or hypogonadotropic hypogonadism. Identifiers: Orphanet 85186, Orphanet 88637, MedGen C3280644, MONDO:0013722, OMIM 614381.

Allele frequency attached by ClinVar (database versions not stated): gnomAD exomes below 0.00001; TOPMed below 0.00001; gnomAD 0.00001.

Submission:

Centre for Mendelian Genomics, University Medical Centre Ljubljana
Classification: Uncertain significance for Leukodystrophy, hypomyelinating, 8, with or without oligodontia and/or hypogonadotropic hypogonadism. Last evaluated: 2019-04-09. Review status: criteria provided, single submitter. Criteria: ACMG Guidelines, 2015. Collection method: clinical testing. Allele origin: unknown. Affected: yes.
Comment: This variant was classified as: Uncertain significance. The available evidence on this variant's pathogenicity is insufficient or conflicting. The following ACMG criteria were applied in classifying this variant: PM2.